The following is an entry in ClinVar:

ClinVar aggregate classification (germline): Likely benign (1 of 4 stars; one submission).

Allele frequency attached by ClinVar (database versions not stated): gnomAD exomes below 0.00001; gnomAD 0.00001; TOPMed 0.00001.
gnomAD v4.1: 6 of 1,533,638 alleles (0.00039%); highest among the groups gnomAD compares: Non-Finnish European, 0.00052%; no homozygotes.

Submission:

CeGaT Center for Human Genetics Tuebingen
Classification: Likely benign. Last evaluated: 2022-08-01. Review status: criteria provided, single submitter. Criteria: CeGaT Center For Human Genetics Tuebingen Variant Classification Criteria Version 2. Collection method: clinical testing. Allele origin: germline. Affected: yes. Observed: 1 variant allele.
Comment: MUC12: BP4, BP7

NM_001164462.2(MUC12):c.4824C>T (p.His1608=)

Gene: MUC12 (mucin 12, cell surface associated; plus strand). Cytogenetic location: 7q22.1.
Variant type: single nucleotide variant.
Coding change: c.4824C>T on transcript NM_001164462.2 (MANE Select); coding-DNA position 4824, C replaced by T.
Protein change: p.His1608=; no amino-acid change (histidine 1608 retained).
Molecular consequence: synonymous variant.
Genome position (GRCh38, 1-based): chr7:100,995,387, C>T. VCF-style: chr7-100995387-C-T. GRCh37 (hg19) VCF-style: chr7-100638668-C-T.
Identifiers: ClinVar variation 2657811 (VCV002657811.24), dbSNP rs1417291167, ClinGen allele CA456909162.